The following is an entry in ClinVar:

NM_020778.5(ALPK3):c.1329G>A (p.Gly443=)

Gene: ALPK3 (alpha kinase 3; plus strand). Cytogenetic location: 15q25.3.
Variant type: single nucleotide variant.
Coding change: c.1329G>A on transcript NM_020778.5 (MANE Select); coding-DNA position 1329, G replaced by A.
Protein change: p.Gly443=; no amino-acid change (glycine 443 retained).
Molecular consequence: synonymous variant.
Genome position (GRCh38, 1-based): chr15:84,840,608, G>A. VCF-style: chr15-84840608-G-A. GRCh37 (hg19) VCF-style: chr15-85383839-G-A.
Other names: p.Gly645=.
Identifiers: ClinVar variation 383784 (VCV000383784.19), dbSNP rs3803406, ClinGen allele CA7709163.

ClinVar aggregate classification (germline): Benign. Review status: criteria provided, multiple submitters, no conflicts (2 of 4 stars). 10 submissions from 10 submitters: Benign (7). 3 of the submissions do not count toward it. Last evaluated 2026-02-04.

Conditions:
ALPK3-related disorder. Also called: ALPK3-related condition.
Cardiovascular phenotype. Identifiers: MedGen CN230736.

Allele frequency attached by ClinVar (database versions not stated): gnomAD exomes 0.65528 and 0.68104; ESP Exome Variant Server 0.67510; ExAC 0.67895; gnomAD 0.68083 and 0.68383; TOPMed 0.68866; 1000 Genomes Project 30x 0.73860; 1000 Genomes Project 0.74361.
gnomAD v4.1: 1,026,174 of 1,558,156 alleles (66%); highest among the groups gnomAD compares: East Asian, 92%; 340,599 homozygotes.

Submissions (10):

Labcorp Genetics (formerly Invitae), Labcorp
Classification: Benign. Last evaluated: 2026-02-04. Review status: criteria provided, single submitter. Criteria: Invitae Variant Classification Sherloc (09022015). Collection method: clinical testing. Allele origin: germline.

Blueprint Genetics
Classification: Benign. Last evaluated: 2024-11-27. Review status: criteria provided, single submitter. Criteria: ACMG Guidelines, 2015. Collection method: clinical testing. Allele origin: germline.

Women's Health and Genetics/Laboratory Corporation of America, LabCorp
Classification: Benign. Last evaluated: 2023-04-04. Review status: criteria provided, single submitter. Criteria: LabCorp Variant Classification Summary - May 2015. Collection method: clinical testing. Allele origin: germline.

Mayo Clinic Laboratories, Mayo Clinic
Classification: Benign. Last evaluated: 2022-04-26. Review status: criteria provided, single submitter. Criteria: ACMG Guidelines, 2015. Collection method: clinical testing. Allele origin: germline. Observed: 840 variant alleles.

Ambry Genetics
Classification: Benign for Cardiovascular phenotype. Last evaluated: 2018-12-04. Review status: criteria provided, single submitter. Criteria: Ambry Variant Classification Scheme 2023. Collection method: clinical testing. Allele origin: germline.

GeneDx
Classification: Benign. Last evaluated: 2016-09-09. Review status: criteria provided, single submitter. Criteria: GeneDx Variant Classification (06012015). Collection method: clinical testing. Allele origin: germline. Affected: yes.
Comment: This variant is considered likely benign or benign based on one or more of the following criteria: it is a conservative change, it occurs at a poorly conserved position in the protein, it is predicted to be benign by multiple in silico algorithms, and/or has population frequency not consistent with disease.

Breakthrough Genomics
Classification: Benign. Review status: criteria provided, single submitter. Criteria: ACMG Guidelines, 2015. Collection method: not provided. Allele origin: germline. Inheritance: Autosomal recessive inheritance. Affected: yes.

PreventionGenetics, part of Exact Sciences
Classification: Benign for ALPK3-related condition. Last evaluated: 2019-07-15. Review status: no assertion criteria provided. Collection method: clinical testing. Allele origin: germline. Not counted in ClinVar's aggregate classification.
Comment: This variant is classified as benign based on ACMG/AMP sequence variant interpretation guidelines (Richards et al. 2015 PMID: 25741868, with internal and published modifications).

Clinical Genetics DNA and cytogenetics Diagnostics Lab, Erasmus MC, Erasmus Medical Center
Classification: Benign. Review status: no assertion criteria provided. Collection method: clinical testing. Allele origin: germline. Affected: yes. Study: VKGL Data-share Consensus. Not counted in ClinVar's aggregate classification.

Clinical Genetics, Academic Medical Center
Classification: Benign. Review status: no assertion criteria provided. Collection method: clinical testing. Allele origin: germline. Affected: yes. Study: VKGL Data-share Consensus. Not counted in ClinVar's aggregate classification.